The following is an entry in ClinVar:

NM_020937.4(FANCM):c.4547_4549del (p.Ala1516del)

Gene: FANCM (FA complementation group M; plus strand). Cytogenetic location: 14q21.2.
Variant type: Deletion.
Coding change: c.4547_4549del on transcript NM_020937.4 (MANE Select); coding-DNA positions 4547 to 4549, 3 bases deleted (CAG; older notation c.4547_4549delCAG).
Protein change: p.Ala1516del; deletes alanine 1516.
Genome position (GRCh38, 1-based): chr14:45,185,248-45,185,250, CAG deleted; deleting any 3 consecutive bases within chr14:45,185,246-45,185,250 gives the same sequence; the c. name uses the placement nearest the transcript's 3' end. VCF-style (leftmost placement, unchanged base first): chr14-45185245-AAGC-A. GRCh37 (hg19) VCF-style: chr14-45654448-AAGC-A.
Other names: c.4469_4471del, p.Ala1490del (NM_001308133.2); short protein forms A1490del, A1516del.
Identifiers: ClinVar variation 3666238 (VCV003666238.2).

ClinVar aggregate classification (germline): Uncertain significance (1 of 4 stars; one submission).

Conditions:
Fanconi anemia (FA). Also called: Fanconi's anemia. Identifiers: Orphanet 84, MedGen C0015625, MeSH D005199, MONDO:0019391.

Submission:

Labcorp Genetics (formerly Invitae), Labcorp
Classification: Uncertain significance for Fanconi anemia. Last evaluated: 2025-01-23. Review status: criteria provided, single submitter. Criteria: Invitae Variant Classification Sherloc (09022015). Collection method: clinical testing. Allele origin: germline.
Comment: This variant, c.4547_4549del, results in the deletion of 1 amino acid(s) of the FANCM protein (p.Ala1516del), but otherwise preserves the integrity of the reading frame. This variant is present in population databases (no rsID available, gnomAD 0.007%). This variant has not been reported in the literature in individuals affected with FANCM-related conditions. Experimental studies and prediction algorithms are not available or were not evaluated, and the functional significance of this variant is currently unknown. In summary, the available evidence is currently insufficient to determine the role of this variant in disease. Therefore, it has been classified as a Variant of Uncertain Significance.